The following is an entry in ClinVar:

NM_000282.4(PCCA):c.1541-12_1541-9del

Gene: PCCA (propionyl-CoA carboxylase subunit alpha; plus strand). Cytogenetic location: 13q32.3.
Variant type: Microsatellite.
Coding change: c.1541-12_1541-9del on transcript NM_000282.4 (MANE Select); 12 bases into the intron before coding-DNA position 1541 through 9 bases into the intron before coding-DNA position 1541, 4 bases deleted (GATT; older notation c.1541-12_1541-9delGATT).
Molecular consequence: intron variant.
Genome position (GRCh38, 1-based): chr13:100,340,145-100,340,148, GATT deleted; deleting any 4 consecutive bases within chr13:100,340,139-100,340,148 gives the same sequence; the c. name uses the placement nearest the transcript's 3' end. VCF-style (leftmost placement, unchanged base first): chr13-100340138-GTTGA-G. GRCh37 (hg19) VCF-style: chr13-100992392-GTTGA-G.
Other names: c.1541-12_1541-9delGATT (NM_000282.3); c.1541-12_1541-9del (NM_001178004.2, NM_001352605.2, NM_001352609.2); c.1397-12_1397-9del (NM_001352606.2); c.596-12_596-9del (NM_001352610.2, NM_001352611.2); c.452-12_452-9del (NM_001352612.2); c.1463-12_1463-9del (NM_001127692.3, NM_001352607.2); c.1319-12_1319-9del (NM_001352608.2).
Identifiers: ClinVar variation 512079 (VCV000512079.4), dbSNP rs763530693, ClinGen allele CA7033713.

ClinVar aggregate classification (germline): Likely benign. Review status: criteria provided, multiple submitters, no conflicts (2 of 4 stars). 2 submissions from 2 submitters: Likely benign (2). Last evaluated 2024-03-26.

Conditions:
Propionic acidemia (PROP). Also called: GLYCINEMIA, KETOTIC; HYPERGLYCINEMIA WITH KETOACIDOSIS AND LEUKOPENIA; KETOTIC HYPERGLYCINEMIA. Identifiers: Orphanet 35, MedGen C0268579, MONDO:0011628, OMIM 606054, HP:0003571.

Submissions (2):

Labcorp Genetics (formerly Invitae), Labcorp
Classification: Likely benign for Propionic acidemia. Last evaluated: 2024-03-26. Review status: criteria provided, single submitter. Criteria: Invitae Variant Classification Sherloc (09022015). Collection method: clinical testing. Allele origin: germline.

GeneDx
Classification: Likely benign. Last evaluated: 2017-09-26. Review status: criteria provided, single submitter. Criteria: GeneDx Variant Classification (06012015). Collection method: clinical testing. Allele origin: germline. Affected: yes.
Comment: This variant is considered likely benign or benign based on one or more of the following criteria: it is a conservative change, it occurs at a poorly conserved position in the protein, it is predicted to be benign by multiple in silico algorithms, and/or has population frequency not consistent with disease.